The following is an entry in ClinVar:

ClinVar aggregate classification (germline): Uncertain significance (1 of 4 stars; one submission).

Conditions:
Polycystic kidney disease, adult type (PKD1). Also called: Polycystic Kidney, Autosomal Dominant; POLYCYSTIC KIDNEY DISEASE, ADULT, TYPE I; Polycystic Kidney Disease 1, Autosomal Dominant; Polycystic kidney disease 1; Polycystic kidney disease 1, severe; POLYCYSTIC KIDNEY DISEASE 1 WITH OR WITHOUT POLYCYSTIC LIVER DISEASE. Identifiers: MedGen C3149841, MONDO:0008263, OMIM 173900.

Submission:

Dasa
Classification: Uncertain significance for Polycystic kidney disease, adult type. Last evaluated: 2026-04-23. Review status: criteria provided, single submitter. Criteria: DASA Assertion Criteria. Collection method: clinical testing. Allele origin: germline.
Comment: NM_001009944.3(PKD1):c.8555C>T (p.Ala2852Val) is a missense variant that results in the substitution of alanine with valine. This variant is rare in population databases. The currently available literature and clinical evidence are not sufficient to establish a definitive association between this variant and the reported condition. Therefore, this variant is classified as a variant of uncertain significance.

NM_001009944.3(PKD1):c.8555C>T (p.Ala2852Val)

Gene: PKD1 (polycystin 1, transient receptor potential channel interacting; minus strand). Cytogenetic location: 16p13.3.
Variant type: single nucleotide variant.
Coding change: c.8555C>T on transcript NM_001009944.3 (MANE Select); coding-DNA position 8555, C replaced by T.
Protein change: p.Ala2852Val; replaces alanine 2852 with valine.
Molecular consequence: missense variant.
Genome position (GRCh38, 1-based): chr16:2,103,502, G>A on the plus strand (C>T on the coding strand, the complement: PKD1 is on the minus strand). VCF-style: chr16-2103502-G-A. GRCh37 (hg19) VCF-style: chr16-2153503-G-A.
Other names: c.8555C>T, p.Ala2852Val (NM_000296.4); short protein forms A2852V.
Identifiers: ClinVar variation 4883269 (VCV004883269.2).